The following is an entry in ClinVar:

NM_001130823.3(DNMT1):c.4C>T (p.Pro2Ser)

Genes: DNMT1 (DNA methyltransferase 1; minus strand), LOC130063472 (ATAC-STARR-seq lymphoblastoid silent region 10057; plus strand). Cytogenetic location: 19p13.2.
Variant type: single nucleotide variant.
Coding change: c.4C>T on transcript NM_001130823.3 (MANE Select); coding-DNA position 4, C replaced by T.
Protein change: p.Pro2Ser; replaces proline 2 with serine.
Molecular consequence: missense variant. On other transcripts: 5 prime UTR variant (1).
Genome position (GRCh38, 1-based): chr19:10,194,896, G>A on the plus strand (C>T on the coding strand, the complement: DNMT1 is on the minus strand). VCF-style: chr19-10194896-G-A. GRCh37 (hg19) VCF-style: chr19-10305572-G-A.
Other names: c.4C>T, p.Pro2Ser (NM_001318730.2, NM_001379.4); c.-320C>T (NM_001318731.2); short protein forms P2S.
Identifiers: ClinVar variation 2500644 (VCV002500644.4), dbSNP rs763647098, ClinGen allele CA403950282.

ClinVar aggregate classification (germline): Uncertain significance. Review status: criteria provided, multiple submitters, no conflicts (2 of 4 stars). 2 submissions from 2 submitters: Uncertain significance (2). Last evaluated 2024-09-12.

Conditions:
Hereditary sensory neuropathy-deafness-dementia syndrome. Also called: NEUROPATHY, HEREDITARY SENSORY, WITH HEARING LOSS AND DEMENTIA; Hereditary Sensory and Autonomic Neuropathy Type 1E (HSAN1E); Hereditary sensory neuropathy type IE; HSN IE. Identifiers: Orphanet 456318, MedGen C3279885, MONDO:0013584, OMIM 614116.

gnomAD v4.1: 1 of 1,608,222 alleles (0.000062%); highest among the groups gnomAD compares: Non-Finnish European, 0.000085%; no homozygotes.

Submissions (2):

GeneDx
Classification: Uncertain significance. Last evaluated: 2024-09-12. Review status: criteria provided, single submitter. Criteria: GeneDx Variant Classification Process June 2021. Collection method: clinical testing. Allele origin: germline.
Comment: Not observed at significant frequency in large population cohorts (gnomAD); In silico analysis indicates that this missense variant does not alter protein structure/function; Has not been previously published as pathogenic or benign to our knowledge

Labcorp Genetics (formerly Invitae), Labcorp
Classification: Uncertain significance for Hereditary sensory neuropathy-deafness-dementia syndrome. Last evaluated: 2024-04-25. Review status: criteria provided, single submitter. Criteria: Invitae Variant Classification Sherloc (09022015). Collection method: clinical testing. Allele origin: germline.
Comment: This sequence change replaces proline, which is neutral and non-polar, with serine, which is neutral and polar, at codon 2 of the DNMT1 protein (p.Pro2Ser). This variant is not present in population databases (gnomAD no frequency). This variant has not been reported in the literature in individuals affected with DNMT1-related conditions. ClinVar contains an entry for this variant (Variation ID: 2500644). An algorithm developed to predict the effect of missense changes on protein structure and function (PolyPhen-2) suggests that this variant is likely to be disruptive. In summary, the available evidence is currently insufficient to determine the role of this variant in disease. Therefore, it has been classified as a Variant of Uncertain Significance.